The following is an entry in ClinVar:

ClinVar aggregate classification (germline): Pathogenic/Likely pathogenic. Review status: criteria provided, multiple submitters, no conflicts (2 of 4 stars). 4 submissions from 4 submitters: Pathogenic (2); Likely pathogenic (1). 1 of the submissions does not count toward it. Last evaluated 2024-07-10.

Conditions:
SIN3A-related disorder. Also called: SIN3A-related condition.
SIN3A-related intellectual disability syndrome due to a point mutation. Also called: 15q24 Microdeletion Syndrome; WITTEVEEN-KOLK SYNDROME. Identifiers: Orphanet 500166, Orphanet 94065, MedGen C4310804, MONDO:0044700, OMIM 613406.
Intellectual disability. Also called: Intellectual functioning disability; intellectual disabilities; Intellectual developmental disorder. Identifiers: MedGen C3714756, MeSH D008607, MONDO:0001071, HP:0001249.

Allele frequency attached by ClinVar (database versions not stated): gnomAD exomes below 0.00001.
gnomAD v4.1: 1 of 1,613,964 alleles (0.000062%); highest among the groups gnomAD compares: Non-Finnish European, 0.000085%; no homozygotes.

Submissions (5):

Institute of Human Genetics, University of Leipzig Medical Center
Classification: Pathogenic for SIN3A-related intellectual disability syndrome due to a point mutation. Last evaluated: 2024-07-10. Review status: criteria provided, single submitter. Criteria: ACMG Guidelines, 2015. Collection method: clinical testing. Allele origin: de novo. Inheritance: Autosomal dominant inheritance. Affected: yes.
Comment: Criteria applied: PVS1, PS2_MOD, PS4_MOD, PS2_MOD

Greenwood Genetic Center Diagnostic Laboratories, Greenwood Genetic Center
Classification: Pathogenic. Last evaluated: 2021-01-19. Review status: criteria provided, single submitter. Criteria: ACMG Guidelines, 2015. Collection method: clinical testing. Allele origin: germline. Affected: yes.
Comment: PVS1, PS2

Cambridge Genomics Laboratory, East Genomic Laboratory Hub, NHS Genomic Medicine Service
Classification: Likely pathogenic for Intellectual disability. Last evaluated: 2020-03-16. Review status: criteria provided, single submitter. Criteria: ACGS Best Practice Guidelines for Variant Classification in Rare Disease 2020. Collection method: clinical testing. Allele origin: germline. Affected: yes. Observed: 1 variant allele.

PreventionGenetics, part of Exact Sciences
Classification: Likely pathogenic for SIN3A-related condition. Last evaluated: 2024-04-17. Review status: no assertion criteria provided. Collection method: clinical testing. Allele origin: germline. Not counted in ClinVar's aggregate classification.
Comment: The SIN3A c.2152C>T variant is predicted to result in premature protein termination (p.Arg718*). This variant has been reported as a de novo finding in an individual with Witteveen-Kolk syndrome (Table 1, Coenen-van der Spek et al. 2023. PubMed ID: 36399132). This variant is reported in one of 113,584 alleles (0.00088%) in individuals of European (Non-Finnish) descent in gnomAD. Nonsense variants in SIN3A are expected to be pathogenic. This variant is interpreted as likely pathogenic.

Dr. Peter K. Rogan Lab, Western University
No classification provided (evidence only). Condition: Gastric cancer. Review status: no classification provided. Collection method: in vitro. Allele origin: not applicable. Functional consequence: retained intron. Not counted in ClinVar's aggregate classification.

NM_001145358.2(SIN3A):c.2152C>T (p.Arg718Ter)

Gene: SIN3A (SIN3 transcription regulator family member A; minus strand). Cytogenetic location: 15q24.2.
Variant type: single nucleotide variant.
Coding change: c.2152C>T on transcript NM_001145358.2 (MANE Select); coding-DNA position 2152, C replaced by T.
Protein change: p.Arg718Ter; replaces arginine 718 with a stop codon.
Molecular consequence: nonsense.
Genome position (GRCh38, 1-based): chr15:75,394,805, G>A on the plus strand (C>T on the coding strand, the complement: SIN3A is on the minus strand). VCF-style: chr15-75394805-G-A. GRCh37 (hg19) VCF-style: chr15-75687146-G-A.
Other names: NC_000015.9:g.75687146G>A; c.2152C>T, p.Arg718Ter (NM_001145357.2, NM_015477.3); c.2152C>T (NM_001145358.1); short protein forms R718*.
Identifiers: ClinVar variation 1331651 (VCV001331651.9), dbSNP rs1444395453, ClinGen allele CA393494606.